The following is an entry in ClinVar:

NM_133259.4(LRPPRC):c.440A>G (p.His147Arg)

Gene: LRPPRC (leucine rich pentatricopeptide repeat containing; minus strand). Cytogenetic location: 2p21.
Variant type: single nucleotide variant.
Coding change: c.440A>G on transcript NM_133259.4 (MANE Select); coding-DNA position 440, A replaced by G.
Protein change: p.His147Arg; replaces histidine 147 with arginine.
Molecular consequence: missense variant.
Genome position (GRCh38, 1-based): chr2:43,979,855, T>C on the plus strand (A>G on the coding strand, the complement: LRPPRC is on the minus strand). VCF-style: chr2-43979855-T-C. GRCh37 (hg19) VCF-style: chr2-44206994-T-C.
Other names: c.440A>G (NM_133259.3); short protein forms H147R.
Identifiers: ClinVar variation 4954838 (VCV004954838.2).
Genomic context (GRCh38, chr2:43,979,855, plus strand): 5'-TTATACACATCATATATTTAAACAATCATACCTAATTTCTGAAGTGTGTCCCATATCCTA[T>C]GAGCAAATTCTGTTCTCTCTTCAAGCTTTAGTTCAGGCAAGAGAGAACCACAACTACGTA-3'
Protein context (NP_573566.2, residues 137-157): LKLEERTEFA[His147Arg]RIWDTLQKLG

ClinVar aggregate classification (germline): Uncertain significance. Review status: criteria provided, multiple submitters, no conflicts (2 of 4 stars). 2 submissions from 2 submitters: Uncertain significance (2). Last evaluated 2025-12-11.

Conditions:
LRPPRC-related disorder. Also called: LRPPRC-related condition.

Submissions (2):

PreventionGenetics, part of Exact Sciences
Classification: Uncertain significance for LRPPRC-related condition. Last evaluated: 2025-12-11. Review status: criteria provided, single submitter. Criteria: ACMG Guidelines, 2015. Collection method: clinical testing. Allele origin: germline.
Comment: The LRPPRC c.440A>G variant is predicted to result in the amino acid substitution p.His147Arg. To our knowledge, this variant has not been reported in the literature. This variant is reported in 0.013% of alleles in individuals of South Asian descent in gnomAD. At this time, the clinical significance of this variant is uncertain due to the absence of conclusive functional and genetic evidence.

Blueprint Genetics
Classification: Uncertain significance. Last evaluated: 2021-03-18. Review status: criteria provided, single submitter. Criteria: ACMG Guidelines, 2015. Collection method: clinical testing. Allele origin: germline.